The following is an entry in ClinVar:

NM_001371986.1(UNC80):c.5070C>T (p.Ala1690=)

Genes: UNC80 (unc-80 subunit of NALCN channel complex; plus strand), LOC126806490 (P300/CBP strongly-dependent group 1 enhancer GRCh37_chr2:210782411-210783610; plus strand). Cytogenetic location: 2q34.
Variant type: single nucleotide variant.
Coding change: c.5070C>T on transcript NM_001371986.1 (MANE Select); coding-DNA position 5070, C replaced by T.
Protein change: p.Ala1690=; no amino-acid change (alanine 1690 retained).
Molecular consequence: synonymous variant.
Genome position (GRCh38, 1-based): chr2:209,917,817, C>T. VCF-style: chr2-209917817-C-T. GRCh37 (hg19) VCF-style: chr2-210782541-C-T.
Other names: c.4872C>T, p.Ala1624= (NM_032504.2); c.4857C>T, p.Ala1619= (NM_182587.4); c.4872C>T (NM_032504.1).
Identifiers: ClinVar variation 1568270 (VCV001568270.12), dbSNP rs370653238, ClinGen allele CA2083252.

ClinVar aggregate classification (germline): Likely benign. Review status: criteria provided, single submitter (1 of 4 stars). 2 submissions from 2 submitters: Likely benign (1). 1 of the submissions does not count toward it. Last evaluated 2025-03-27.

Conditions:
UNC80-related disorder. Also called: UNC80-related condition.

Allele frequency attached by ClinVar (database versions not stated): ExAC 0.00004; gnomAD 0.00005 and 0.00006; gnomAD exomes 0.00005 and 0.00007; TOPMed 0.00008; ESP Exome Variant Server 0.00022.
gnomAD v4.1: 110 of 1,552,080 alleles (0.0071%); highest among the groups gnomAD compares: African/African-American, 0.0096%; no homozygotes.

Submissions (2):

Labcorp Genetics (formerly Invitae), Labcorp
Classification: Likely benign. Last evaluated: 2025-03-27. Review status: criteria provided, single submitter. Criteria: Invitae Variant Classification Sherloc (09022015). Collection method: clinical testing. Allele origin: germline.

PreventionGenetics, part of Exact Sciences
Classification: Likely benign for UNC80-related condition. Last evaluated: 2019-07-12. Review status: no assertion criteria provided. Collection method: clinical testing. Allele origin: germline. Not counted in ClinVar's aggregate classification.
Comment: This variant is classified as likely benign based on ACMG/AMP sequence variant interpretation guidelines (Richards et al. 2015 PMID: 25741868, with internal and published modifications).